The following is an entry in ClinVar:

NM_002474.3(MYH11):c.2469C>T (p.Cys823=)

Gene: MYH11 (myosin heavy chain 11; minus strand). Cytogenetic location: 16p13.11.
Variant type: single nucleotide variant.
Coding change: c.2469C>T on transcript NM_002474.3 (MANE Select); coding-DNA position 2469, C replaced by T.
Protein change: p.Cys823=; no amino-acid change (cysteine 823 retained).
Molecular consequence: synonymous variant.
Genome position (GRCh38, 1-based): chr16:15,745,180, G>A on the plus strand (C>T on the coding strand, the complement: MYH11 is on the minus strand). VCF-style: chr16-15745180-G-A. GRCh37 (hg19) VCF-style: chr16-15839037-G-A.
Other names: c.2490C>T, p.Cys830= (NM_001040113.2, NM_001040114.2); c.2469C>T, p.Cys823= (NM_022844.3).
Identifiers: ClinVar variation 923956 (VCV000923956.15), dbSNP rs749478973, ClinGen allele CA7922263.

ClinVar aggregate classification (germline): Likely benign. Review status: criteria provided, multiple submitters, no conflicts (2 of 4 stars). 6 submissions from 6 submitters: Likely benign (6). Last evaluated 2026-03-27.

Conditions:
Aortic aneurysm, familial thoracic 4 (AAT4). Also called: AORTIC ANEURYSM/AORTIC DISSECTION AND PATENT DUCTUS ARTERIOSUS. Identifiers: MedGen C1851504, MONDO:0007568, OMIM 132900.
Familial thoracic aortic aneurysm and aortic dissection (TAAD). Also called: Thoracic aortic aneurysms and dissections. Identifiers: Orphanet 91387, MedGen C4707243, MONDO:0019625.

Allele frequency attached by ClinVar (database versions not stated): TOPMed 0.00001; ExAC 0.00002; gnomAD exomes 0.00002 and 0.00004; gnomAD 0.00003.
gnomAD v4.1: 58 of 1,613,994 alleles (0.0036%); highest among the groups gnomAD compares: Middle Eastern, 0.016%; no homozygotes.

Submissions (6):

Molecular Diagnostic Laboratory for Inherited Cardiovascular Disease, Montreal Heart Institute
Classification: Likely benign. Last evaluated: 2026-03-27. Review status: criteria provided, single submitter. Criteria: ACMG Guidelines, 2015. Collection method: clinical testing. Allele origin: germline. Affected: no.
Comment: BS1;BP7

Labcorp Genetics (formerly Invitae), Labcorp
Classification: Likely benign for Aortic aneurysm, familial thoracic 4. Last evaluated: 2025-11-16. Review status: criteria provided, single submitter. Criteria: Invitae Variant Classification Sherloc (09022015). Collection method: clinical testing. Allele origin: germline.

All of Us Research Program, National Institutes of Health
Classification: Likely benign for Familial thoracic aortic aneurysm and aortic dissection. Last evaluated: 2023-12-01. Review status: criteria provided, single submitter. Criteria: ACMG Guidelines, 2015. Collection method: clinical testing. Allele origin: germline. Inheritance: Autosomal dominant inheritance. Observed: 8 variant alleles, 8 heterozygotes.
Comment: This study involves interpretation of variants in research participants for the purpose of population health screening. Participant phenotype was not available at the time of variant classification. Additional details can be found in publication PMID: 35346344, PMCID: PMC8962531

Blueprint Genetics
Classification: Likely benign. Last evaluated: 2023-02-06. Review status: criteria provided, single submitter. Criteria: ACMG Guidelines, 2015. Collection method: clinical testing. Allele origin: germline.

Ambry Genetics
Classification: Likely benign for Familial thoracic aortic aneurysm and aortic dissection. Last evaluated: 2019-10-07. Review status: criteria provided, single submitter. Criteria: Ambry Variant Classification Scheme 2023. Collection method: clinical testing. Allele origin: germline.

Color Diagnostics, LLC DBA Color Health
Classification: Likely benign for Familial thoracic aortic aneurysm and aortic dissection. Last evaluated: 2019-03-08. Review status: criteria provided, single submitter. Criteria: ACMG Guidelines, 2015. Collection method: clinical testing. Allele origin: germline.